The following is an entry in ClinVar:

NM_014363.6(SACS):c.9106C>T (p.Gln3036Ter)

Gene: SACS (sacsin molecular chaperone; minus strand). Cytogenetic location: 13q12.12.
Variant type: single nucleotide variant.
Coding change: c.9106C>T on transcript NM_014363.6 (MANE Select); coding-DNA position 9106, C replaced by T.
Protein change: p.Gln3036Ter; replaces glutamine 3036 with a stop codon.
Molecular consequence: nonsense.
Genome position (GRCh38, 1-based): chr13:23,334,770, G>A on the plus strand (C>T on the coding strand, the complement: SACS is on the minus strand). VCF-style: chr13-23334770-G-A. GRCh37 (hg19) VCF-style: chr13-23908909-G-A.
Other names: c.8665C>T, p.Gln2889Ter (NM_001278055.2); short protein forms Q2889*, Q3036*.
Identifiers: ClinVar variation 2678545 (VCV002678545.4), dbSNP rs760685626, ClinGen allele CA387515170.

ClinVar aggregate classification (germline): Pathogenic/Likely pathogenic. Review status: criteria provided, multiple submitters, no conflicts (2 of 4 stars). 2 submissions from 2 submitters: Pathogenic (1); Likely pathogenic (1). Last evaluated 2023-09-17.

Conditions:
Charlevoix-Saguenay spastic ataxia (SACS). Also called: Spastic ataxia of Charlevoix-Saguenay; AUTOSOMAL RECESSIVE SPASTIC ATAXIA OF CHARLEVOIX-SAGUENAY; SPASTIC ATAXIA 6, AUTOSOMAL RECESSIVE. Identifiers: Orphanet 98, MedGen C1849140, MONDO:0010041, OMIM 270550.
Spastic paraplegia. Identifiers: MedGen C0037772, HP:0001258.

Submissions (2):

Labcorp Genetics (formerly Invitae), Labcorp
Classification: Pathogenic for Spastic paraplegia. Last evaluated: 2023-09-17. Review status: criteria provided, single submitter. Criteria: Invitae Variant Classification Sherloc (09022015). Collection method: clinical testing. Allele origin: germline.
Comment: This sequence change creates a premature translational stop signal (p.Gln3036*) in the SACS gene. While this is not anticipated to result in nonsense mediated decay, it is expected to disrupt the last 1544 amino acid(s) of the SACS protein. This variant is not present in population databases (gnomAD no frequency). This variant has not been reported in the literature in individuals affected with SACS-related conditions. This variant disrupts a region of the SACS protein in which other variant(s) (p.Asn4549Asp) have been determined to be pathogenic (PMID: 15156359, 21507954). This suggests that this is a clinically significant region of the protein, and that variants that disrupt it are likely to be disease-causing. For these reasons, this variant has been classified as Pathogenic.

Baylor Genetics
Classification: Likely pathogenic for Charlevoix-Saguenay spastic ataxia. Last evaluated: 2023-04-14. Review status: criteria provided, single submitter. Criteria: ACMG Guidelines, 2015. Collection method: clinical testing. Allele origin: unknown.

Literature cited by the submitters: PubMed 15156359 (cited by Labcorp Genetics (formerly Invitae), Labcorp); PubMed 21507954 (cited by Labcorp Genetics (formerly Invitae), Labcorp).